The following is an entry in ClinVar:

ClinVar aggregate classification (germline): Uncertain significance (1 of 4 stars; one submission).

Conditions:
Gorlin syndrome. Also called: Basal cell nevus syndrome; Nevoid Basal Cell Carcinoma Syndrome. Identifiers: Orphanet 377, MedGen C0004779, MONDO:0007187.

Submission:

Labcorp Genetics (formerly Invitae), Labcorp
Classification: Uncertain significance for Gorlin syndrome. Last evaluated: 2019-05-05. Review status: criteria provided, single submitter. Criteria: Invitae Variant Classification Sherloc (09022015). Collection method: clinical testing. Allele origin: germline.
Comment: In summary, the available evidence is currently insufficient to determine the role of this variant in disease. Therefore, it has been classified as a Variant of Uncertain Significance. Algorithms developed to predict the effect of missense changes on protein structure and function (SIFT, PolyPhen-2, Align-GVGD) all suggest that this variant is likely to be tolerated, but these predictions have not been confirmed by published functional studies and their clinical significance is uncertain. This variant has not been reported in the literature in individuals with PTCH1-related conditions. This variant is not present in population databases (ExAC no frequency). This sequence change replaces isoleucine with valine at codon 229 of the PTCH1 protein (p.Ile229Val). The isoleucine residue is highly conserved and there is a small physicochemical difference between isoleucine and valine.

NM_000264.5(PTCH1):c.685A>G (p.Ile229Val)

Gene: PTCH1 (patched 1; minus strand). Cytogenetic location: 9q22.32.
Variant type: single nucleotide variant.
Coding change: c.685A>G on transcript NM_000264.5 (MANE Select); coding-DNA position 685, A replaced by G.
Protein change: p.Ile229Val; replaces isoleucine 229 with valine.
Molecular consequence: missense variant. On other transcripts: non-coding transcript variant (1).
Genome position (GRCh38, 1-based): chr9:95,482,010, T>C on the plus strand (A>G on the coding strand, the complement: PTCH1 is on the minus strand). VCF-style: chr9-95482010-T-C. GRCh37 (hg19) VCF-style: chr9-98244292-T-C.
Other names: c.487A>G, p.Ile163Val (NM_001083602.3, NM_001354919.2); c.682A>G, p.Ile228Val (NM_001083603.3); c.232A>G, p.Ile78Val (NM_001083604.3, NM_001083605.3, NM_001083606.3 and 1 more transcripts); c.685A>G, p.Ile229Val (NM_001354918.2); short protein forms I163V, I78V, I228V, I229V.
Identifiers: ClinVar variation 950077 (VCV000950077.10), dbSNP rs1841575695, ClinGen allele CA374114924.